The following is an entry in ClinVar:

ClinVar aggregate classification (germline): Pathogenic/Likely pathogenic. Review status: criteria provided, multiple submitters, no conflicts (2 of 4 stars). 2 submissions from 2 submitters: Pathogenic (1); Likely pathogenic (1). Last evaluated 2025-04-19.

Conditions:
Congenital adrenal insufficiency with 46, XY sex reversal OR 46,XY disorder of sex development-adrenal insufficiency due to CYP11A1 deficiency. Also called: Congenital adrenal insuffiency with 46, XY sex reversal OR 46,XY disorder of sex development-adrenal insufficiency due to CYP11A1 deficiency; P450scc DEFICIENCY. Identifiers: Orphanet 168558, MedGen C3151055, MONDO:0013400, OMIM 613743.

Submissions (2):

Myriad Genetics, Inc.
Classification: Pathogenic for Congenital adrenal insufficiency with 46, XY sex reversal OR 46,XY disorder of sex development-adrenal insufficiency due to CYP11A1 deficiency. Last evaluated: 2025-04-19. Review status: criteria provided, single submitter. Criteria: Myriad Autosomal Dominant, Autosomal Recessive and X-Linked Classification Criteria (2023). Collection method: clinical testing. Allele origin: unknown.
Comment: NM_000781.2(CYP11A1):c.1199delA(N400Mfs*9) is expected to be pathogenic in the context of congenital adrenal hyperplasia, CYP11A1-related. This variant is predicted to lead to an abnormal or absent protein product due to the creation of a premature termination codon in CYP11A1, a gene where loss-of-function variants are known to be pathogenic. Please note: this variant was assessed in the context of healthy population screening.

Fulgent Genetics
Classification: Likely pathogenic for Congenital adrenal insufficiency with 46, XY sex reversal OR 46,XY disorder of sex development-adrenal insufficiency due to CYP11A1 deficiency. Last evaluated: 2024-02-14. Review status: criteria provided, single submitter. Criteria: ACMG Guidelines, 2015. Collection method: clinical testing. Allele origin: germline.

NM_000781.3(CYP11A1):c.1199del (p.Asn400fs)

Gene: CYP11A1 (cytochrome P450 family 11 subfamily A member 1; minus strand). Cytogenetic location: 15q24.1.
Variant type: Deletion.
Coding change: c.1199del on transcript NM_000781.3 (MANE Select); coding-DNA position 1199, one base deleted (A; older notation c.1199delA).
Protein change: p.Asn400fs; shifts the reading frame from asparagine 400.
Molecular consequence: frameshift variant.
Genome position (GRCh38, 1-based): chr15:74,339,274, T deleted on the plus strand (A on the coding strand, the reverse complement: CYP11A1 is on the minus strand); the first of 3 consecutive T bases (chr15:74,339,274-74,339,276); deleting any one gives the same sequence. VCF-style (leftmost placement, unchanged base first): chr15-74339273-AT-A. GRCh37 (hg19) VCF-style: chr15-74631614-AT-A.
Other names: c.725del, p.Asn242fs (NM_001099773.2); short protein forms N242fs, N400fs.
Identifiers: ClinVar variation 3577668 (VCV003577668.2).